The following is an entry in ClinVar:

ClinVar aggregate classification (germline): Pathogenic (1 of 4 stars; one submission).

Conditions:
Breast-ovarian cancer, familial, susceptibility to, 1 (BROVCA1). Also called: BRCA1 Hereditary Breast and Ovarian Cancer; OVARIAN CANCER, SUSCEPTIBILITY TO. Identifiers: Orphanet 145, MedGen C2676676, MONDO:0011450, OMIM 604370. Disease mechanism: loss of function.

Submission:

Myriad Genetics, Inc.
Classification: Pathogenic for Breast-ovarian cancer, familial, susceptibility to, 1. Last evaluated: 2023-02-14. Review status: criteria provided, single submitter. Criteria: Myriad Autosomal Dominant, Autosomal Recessive and X-Linked Classification Criteria (2023). Collection method: clinical testing. Allele origin: unknown.
Comment: This variant is considered pathogenic. This variant creates a frameshift predicted to result in premature protein truncation.

NM_007294.4(BRCA1):c.227del (p.Ser76fs)

Gene: BRCA1 (BRCA1 DNA repair associated; minus strand). Cytogenetic location: 17q21.31.
Variant type: Deletion.
Coding change: c.227del on transcript NM_007294.4 (MANE Select); coding-DNA position 227, one base deleted (G; older notation c.227delG).
Protein change: p.Ser76fs; shifts the reading frame from serine 76.
Molecular consequence: frameshift variant. On other transcripts: 5 prime UTR variant (7), intron variant (2).
Genome position (GRCh38, 1-based): chr17:43,104,942, C deleted on the plus strand (G on the coding strand, the reverse complement: BRCA1 is on the minus strand). VCF-style (leftmost placement, unchanged base first): chr17-43104941-AC-A. GRCh37 (hg19) VCF-style: chr17-41256958-AC-A.
Other names: c.17del, p.Ser6fs (NM_001407571.1, NM_001407879.1, NM_001407881.1 and 58 more transcripts); c.227del, p.Ser76fs (NM_001407581.1, NM_001407582.1, NM_001407583.1 and 167 more transcripts); c.86del, p.Ser29fs (NM_001407734.1, NM_001407735.1, NM_001407736.1 and 99 more transcripts); c.149del, p.Ser50fs (NM_001407653.1, NM_001407654.1, NM_001407655.1 and 21 more transcripts); c.-155del (NM_001407959.1, NM_001407960.1, NM_001407962.1 and 4 more transcripts); c.95del, p.Ser32fs (NM_001408451.1); c.227delG, p.Ser76Ilefs (NM_007304.2); c.-218-10082del (NM_001407967.1, NM_001407966.1); short protein forms S29fs, S32fs, S50fs, S6fs, S76fs.
Identifiers: ClinVar variation 2573249 (VCV002573249.1), dbSNP rs2552255190, ClinGen allele CA2580612631.